The following is an entry in ClinVar:

ClinVar aggregate classification (germline): Uncertain significance (1 of 4 stars; one submission).

Allele frequency attached by ClinVar (database versions not stated): ExAC 0.00001; gnomAD 0.00001.
gnomAD v4.1: 6 of 1,614,012 alleles (0.00037%); highest among the groups gnomAD compares: African/African-American, 0.0013%; no homozygotes.

Submission:

Labcorp Genetics (formerly Invitae), Labcorp
Classification: Uncertain significance. Last evaluated: 2022-11-30. Review status: criteria provided, single submitter. Criteria: Invitae Variant Classification Sherloc (09022015). Collection method: clinical testing. Allele origin: germline.
Comment: This variant is present in population databases (rs775345045, gnomAD 0.0009%). This variant has not been reported in the literature in individuals affected with RFWD3-related conditions. Algorithms developed to predict the effect of missense changes on protein structure and function (SIFT, PolyPhen-2, Align-GVGD) all suggest that this variant is likely to be disruptive. Algorithms developed to predict the effect of sequence changes on RNA splicing suggest that this variant may create or strengthen a splice site. In summary, the available evidence is currently insufficient to determine the role of this variant in disease. Therefore, it has been classified as a Variant of Uncertain Significance. This sequence change replaces tyrosine, which is neutral and polar, with cysteine, which is neutral and slightly polar, at codon 771 of the RFWD3 protein (p.Tyr771Cys).

NM_018124.4(RFWD3):c.2312A>G (p.Tyr771Cys)

Gene: RFWD3 (ring finger and WD repeat domain 3; minus strand). Cytogenetic location: 16q23.1.
Variant type: single nucleotide variant.
Coding change: c.2312A>G on transcript NM_018124.4 (MANE Select); coding-DNA position 2312, A replaced by G.
Protein change: p.Tyr771Cys; replaces tyrosine 771 with cysteine.
Molecular consequence: missense variant.
Genome position (GRCh38, 1-based): chr16:74,623,941, T>C on the plus strand (A>G on the coding strand, the complement: RFWD3 is on the minus strand). VCF-style: chr16-74623941-T-C. GRCh37 (hg19) VCF-style: chr16-74657839-T-C.
Other names: c.2312A>G, p.Tyr771Cys (NM_001370534.1, NM_001370535.1); c.2135A>G, p.Tyr712Cys (NM_001370536.1); c.1478A>G, p.Tyr493Cys (NM_001370537.1, NM_001370539.1, NM_001370540.1 and 3 more transcripts); short protein forms Y493C, Y712C, Y771C.
Identifiers: ClinVar variation 2817306 (VCV002817306.3), dbSNP rs775345045, ClinGen allele CA8168922.